The following is an entry in ClinVar:

NM_001386795.1(DTNA):c.117C>A (p.Cys39Ter)

Genes: DTNA (dystrobrevin alpha; plus strand), DTNA-AS1 (DTNA antisense RNA 1; minus strand). Cytogenetic location: 18q12.1.
Variant type: single nucleotide variant.
Coding change: c.117C>A on transcript NM_001386795.1 (MANE Select); coding-DNA position 117, C replaced by A.
Protein change: p.Cys39Ter; replaces cysteine 39 with a stop codon.
Molecular consequence: nonsense.
Genome position (GRCh38, 1-based): chr18:34,766,010, C>A. VCF-style: chr18-34766010-C-A. GRCh37 (hg19) VCF-style: chr18-32345974-C-A.
Other names: c.117C>A, p.Cys39Ter (NM_001128175.2, NM_001198938.2, NM_001198939.2 and 35 more transcripts); short protein forms C39*.
Identifiers: ClinVar variation 2866895 (VCV002866895.3), dbSNP rs2093448253, ClinGen allele CA402274669.

ClinVar aggregate classification (germline): Uncertain significance (1 of 4 stars; one submission).

Conditions:
Left ventricular noncompaction 1 (LVNC1). Also called: LEFT VENTRICULAR NONCOMPACTION 1 WITH OR WITHOUT CONGENITAL HEART DEFECTS. Identifiers: Orphanet 54260, MedGen C1858725, MONDO:0011403, OMIM 604169.

Submission:

Labcorp Genetics (formerly Invitae), Labcorp
Classification: Uncertain significance for Left ventricular noncompaction 1. Last evaluated: 2023-05-22. Review status: criteria provided, single submitter. Criteria: Invitae Variant Classification Sherloc (09022015). Collection method: clinical testing. Allele origin: germline.
Comment: This sequence change creates a premature translational stop signal (p.Cys39*) in the DTNA gene. It is expected to result in an absent or disrupted protein product. However, the current clinical and genetic evidence is not sufficient to establish whether loss-of-function variants in DTNA cause disease. This variant is not present in population databases (gnomAD no frequency). This variant has not been reported in the literature in individuals affected with DTNA-related conditions. In summary, the available evidence is currently insufficient to determine the role of this variant in disease. Therefore, it has been classified as a Variant of Uncertain Significance.